The following is an entry in ClinVar:

NM_000091.5(COL4A3):c.3566-2A>T

Genes: COL4A3 (collagen type IV alpha 3 chain; plus strand), MFF-DT (MFF divergent transcript; minus strand). Cytogenetic location: 2q36.3.
Variant type: single nucleotide variant.
Coding change: c.3566-2A>T on transcript NM_000091.5 (MANE Select); the canonical splice acceptor site of the intron before coding-DNA position 3566, A replaced by T.
Molecular consequence: splice acceptor variant.
Genome position (GRCh38, 1-based): chr2:227,297,672, A>T. VCF-style: chr2-227297672-A-T. GRCh37 (hg19) VCF-style: chr2-228162388-A-T.
Identifiers: ClinVar variation 4064923 (VCV004064923.2).
Genomic context (GRCh38, chr2:227,297,672, plus strand): 5'-TCAAGAACTCTAACCCAAGCATATGGGCATTAAAGAAACTTATTAAGCCTTCTTCTTTGC[A>T]GGAGCCAAAGGAGACAGGGGAGCCCCAGGTTTTCCTGGCCTCCCGGGCAGAAAAGGGGCC-3'

ClinVar aggregate classification (germline): Likely pathogenic (1 of 4 stars; one submission).

Conditions:
Alport syndrome. Also called: Hemorrhagic familial nephritis; Hemorrhagic hereditary nephritis; Congenital hereditary hematuria. Identifiers: Orphanet 63, MedGen C1567741, MONDO:0018965.

Submission:

Natera, Inc.
Classification: Likely pathogenic for Alport syndrome. Last evaluated: 2025-05-19. Review status: criteria provided, single submitter. Criteria: Natera Variant Classification Schema (03/2026). Collection method: clinical testing. Allele origin: germline.
Comment: The c.3566-2A>T variant in COL4A3 is a canonical splice acceptor site variant predicted to affect pre-mRNA splicing, which may result in an abnormal transcript and altered protein product. This variant is expected to result in nonsense mediated decay, truncation, or a dysfunctional protein product. This variant is rare in the general population with a frequency below the threshold expected for the associated phenotype(s). This variant has been observed in one or more individuals affected with the associated recessive disease, as either homozygous or compound heterozygous with a second variant (PMID: 24854265). Given the available evidence, this variant is classified as Likely Pathogenic.

Literature cited by the submitters: PubMed 24854265.